The following is an entry in ClinVar:

NM_023036.6(DNAI2):c.621C>A (p.Asn207Lys)

Gene: DNAI2 (dynein axonemal intermediate chain 2; plus strand). Cytogenetic location: 17q25.1.
Variant type: single nucleotide variant.
Coding change: c.621C>A on transcript NM_023036.6 (MANE Select); coding-DNA position 621, C replaced by A.
Protein change: p.Asn207Lys; replaces asparagine 207 with lysine.
Molecular consequence: missense variant. On other transcripts: non-coding transcript variant (1).
Genome position (GRCh38, 1-based): chr17:74,291,030, C>A. VCF-style: chr17-74291030-C-A. GRCh37 (hg19) VCF-style: chr17-72287169-C-A.
Other names: c.621C>A, p.Asn207Lys (NM_001172810.3, NM_001353167.2); short protein forms N207K.
Identifiers: ClinVar variation 3666812 (VCV003666812.2).
Genomic context (GRCh38, chr17:74,291,030, plus strand): 5'-TGTCCTTTTCTTTCCGGGCCTGGTGGGGATAATTTTTTTGTGCTTTATAGAAAACCCCAA[C>A]AAGCCTGAACTTGCTCTGAAGCCATCGTCTCCACTCGTGACGTTGGAGTTCAACCCCAAA-3'
Protein context (NP_075462.3, residues 197-217): DSYIWDLENP[Asn207Lys]KPELALKPSS

ClinVar aggregate classification (germline): Uncertain significance (1 of 4 stars; one submission).

Conditions:
Primary ciliary dyskinesia. Also called: Ciliary dyskinesia. Identifiers: Orphanet 244, MedGen C0008780, MONDO:0016575, HP:0012265.

gnomAD v4.1: 4 of 1,614,054 alleles (0.00025%); highest among the groups gnomAD compares: Non-Finnish European, 0.00034%; no homozygotes.

Submission:

Labcorp Genetics (formerly Invitae), Labcorp
Classification: Uncertain significance for Primary ciliary dyskinesia. Last evaluated: 2024-12-23. Review status: criteria provided, single submitter. Criteria: Invitae Variant Classification Sherloc (09022015). Collection method: clinical testing. Allele origin: germline.
Comment: This sequence change replaces asparagine, which is neutral and polar, with lysine, which is basic and polar, at codon 207 of the DNAI2 protein (p.Asn207Lys). This variant is not present in population databases (gnomAD no frequency). This variant has not been reported in the literature in individuals affected with DNAI2-related conditions. Invitae Evidence Modeling of protein sequence and biophysical properties (such as structural, functional, and spatial information, amino acid conservation, physicochemical variation, residue mobility, and thermodynamic stability) indicates that this missense variant is not expected to disrupt DNAI2 protein function with a negative predictive value of 95%. In summary, the available evidence is currently insufficient to determine the role of this variant in disease. Therefore, it has been classified as a Variant of Uncertain Significance.